The following is an entry in ClinVar:

NM_001276345.2(TNNT2):c.268C>A (p.Pro90Thr)

Gene: TNNT2 (troponin T2, cardiac type; minus strand). Cytogenetic location: 1q32.1.
Variant type: single nucleotide variant.
Coding change: c.268C>A on transcript NM_001276345.2 (MANE Select); coding-DNA position 268, C replaced by A.
Protein change: p.Pro90Thr; replaces proline 90 with threonine.
Molecular consequence: missense variant.
Genome position (GRCh38, 1-based): chr1:201,365,636, G>T on the plus strand (C>A on the coding strand, the complement: TNNT2 is on the minus strand). VCF-style: chr1-201365636-G-T. GRCh37 (hg19) VCF-style: chr1-201334764-G-T.
Other names: p.P80T:CCC>ACC; p.Pro90Thr; c.268C>A, p.Pro90Thr (NM_000364.4); c.238C>A, p.Pro80Thr (NM_001001430.3, NM_001001431.3, NM_001276347.2); c.223C>A, p.Pro75Thr (NM_001001432.3); c.265C>A, p.Pro89Thr (NM_001276346.2); short protein forms P80T, P90T, P75T, P89T.
Identifiers: ClinVar variation 181611 (VCV000181611.12), dbSNP rs397516451, ClinGen allele CA004164.

ClinVar aggregate classification (germline): Conflicting classifications of pathogenicity. Review status: criteria provided, conflicting classifications (1 of 4 stars). 8 submissions from 6 submitters: Likely pathogenic (1); Uncertain significance (6). 1 of the submissions does not count toward it. Last evaluated 2025-03-17.

Conditions:
Hypertrophic cardiomyopathy 2. Also called: TNNT2-Related Familial Hypertrophic Cardiomyopathy. Identifiers: MedGen C1861864, MONDO:0007266, OMIM 115195.
Dilated cardiomyopathy 1D. Identifiers: Orphanet 154, Orphanet 54260, MedGen C1832243, MONDO:0011095, OMIM 601494.
Cardiomyopathy, familial restrictive, 3. Identifiers: Orphanet 75249, MedGen C2676271, MONDO:0012900, OMIM 612422.
Cardiomyopathy (CMYO). Also called: Cardiomyopathies. Identifiers: Orphanet 167848, MedGen C0878544, MONDO:0004994, HP:0001638. Inheritance: Various modes of inheritance.
Hypertrophic cardiomyopathy 4. Also called: Familial hypertrophic cardiomyopathy 4. Identifiers: MedGen C1861862, MONDO:0007268, OMIM 115197.

Submissions (8):

Foundation for Research in Genetics and Endocrinology, FRIGE's Institute of Human Genetics
Classification: Likely pathogenic for Dilated cardiomyopathy 1D; Hypertrophic cardiomyopathy 2. Last evaluated: 2025-03-17. Review status: criteria provided, single submitter. Criteria: ACMG Guidelines, 2015. Collection method: clinical testing. Allele origin: germline. Inheritance: Autosomal dominant inheritance. Affected: yes. Observed: 1 heterozygote.
Comment: A heterozygous missense variation in exon 9 of the TNNT2 gene that results in the amino acid substitution of Threonine for Proline at codon 90 was detected. The observed variant c.268C>A has a minor allele frequency of 0.00007% in the gnomAD database. The in silico prediction of the variant is damaging by SIFT, LRT and MutationTaster2. The reference codon is conserved across species. In summary, the variant meets our criteria to be classified as a likely pathogenic.

Genome-Nilou Lab
Classification: Uncertain significance for Dilated cardiomyopathy 1D. Last evaluated: 2023-04-11. Review status: criteria provided, single submitter. Criteria: ACMG Guidelines, 2015. Collection method: clinical testing. Allele origin: germline. Affected: no.

Genome-Nilou Lab
Classification: Uncertain significance for Cardiomyopathy, familial restrictive, 3. Last evaluated: 2023-04-11. Review status: criteria provided, single submitter. Criteria: ACMG Guidelines, 2015. Collection method: clinical testing. Allele origin: germline. Affected: no.

Genome-Nilou Lab
Classification: Uncertain significance for Hypertrophic cardiomyopathy 2. Last evaluated: 2023-04-11. Review status: criteria provided, single submitter. Criteria: ACMG Guidelines, 2015. Collection method: clinical testing. Allele origin: germline. Affected: no.

Labcorp Genetics (formerly Invitae), Labcorp
Classification: Uncertain significance for Cardiomyopathy, familial restrictive, 3; Hypertrophic cardiomyopathy 2; Dilated cardiomyopathy 1D. Last evaluated: 2021-10-11. Review status: criteria provided, single submitter. Criteria: Invitae Variant Classification Sherloc (09022015). Collection method: clinical testing. Allele origin: germline.
Comment: In summary, the available evidence is currently insufficient to determine the role of this variant in disease. Therefore, it has been classified as a Variant of Uncertain Significance. Algorithms developed to predict the effect of missense changes on protein structure and function are either unavailable or do not agree on the potential impact of this missense change (SIFT: "Deleterious"; PolyPhen-2: "Probably Damaging"; Align-GVGD: "Class C0"). ClinVar contains an entry for this variant (Variation ID: 181611). This missense change has been observed in individual(s) with clinical features of TNNT2-related conditions (PMID: 31737537). This variant is not present in population databases (ExAC no frequency). This sequence change replaces proline with threonine at codon 80 of the TNNT2 protein (p.Pro80Thr). The proline residue is highly conserved and there is a small physicochemical difference between proline and threonine.

CHEO Genetics Diagnostic Laboratory, Children's Hospital of Eastern Ontario
Classification: Uncertain significance for Cardiomyopathy. Last evaluated: 2021-01-12. Review status: criteria provided, single submitter. Criteria: ACMG Guidelines, 2015. Collection method: clinical testing. Allele origin: germline.

GeneDx
Classification: Uncertain significance. Last evaluated: 2018-02-20. Review status: criteria provided, single submitter. Criteria: GeneDx Variant Classification (06012015). Collection method: clinical testing. Allele origin: germline. Affected: yes.
Comment: The P80T variant of uncertain significance in the TNNT2 gene has not been published as pathogenic or benign to our knowledge. P80T is a non-conservative amino acid substitution, which is likely to impact secondary protein structure as these residues differ in polarity, charge, size and/or other properties. This substitution also occurs at a position that is conserved across species, and in silico analysis predicts P80T is probably damaging to the protein structure/function. Furthermore, P80T is not observed in large population cohorts (Lek et al., 2016; 1000 Genomes Consortium et al., 2015; Exome Variant Server). This variant has also been identified in individuals referred for HCM genetic testing at GeneDx; however, segregation studies have been uninformative thus far. Thus, P80T lacks observation in a significant number of affected individuals, segregation data, and functional evidence, which would further clarify its pathogenicity.Therefore, additional evidence is needed to determine whether this variant is pathogenic or benign.

Diagnostics Centre, Carl Von Ossietzky University Oldenburg
Classification: Likely pathogenic for Hypertrophic cardiomyopathy 4. Last evaluated: 2023-06-02. Review status: no assertion criteria provided. Collection method: clinical testing. Allele origin: germline. Affected: yes. Observed: 1 variant allele. Not counted in ClinVar's aggregate classification.
Comment: The variant TNNT2:c.238C>A, p.(Pro80Thr), which is located in the coding exon 8 of the TNNT2 gene, results from a cytosine to adenine substitution at nucleotide position 238. The proline residue at protein position 80 is replaced by a Threonine. The affected protein region has been postulated as a hotspot region for Pathogenic and Likely Pathogenic variants associated with hypertrophic cardiomyopathy (PMID: 30696458). The variant colocalises with other Pathogenic variants [p.(Pro80Ser; ClinVarID: 43620 and p.(Pro80Leu); ClinVarID: 181641)] that have been described in ClinVar. In silico tools predict a deleterious effect on the protein structure and function (REVEL = 0.81). The variant is very rare in the overall population (no carriers in gnomAD, v4.1.0). In summary, the variant is classified as Likely pathogenic.

Literature cited by the submitters: PubMed 31737537 (cited by Labcorp Genetics (formerly Invitae), Labcorp); PubMed 30696458 (cited by Diagnostics Centre, Carl Von Ossietzky University Oldenburg).